The following is an entry in ClinVar:

ClinVar aggregate classification (germline): Uncertain significance (1 of 4 stars; one submission).

Submission:

Labcorp Genetics (formerly Invitae), Labcorp
Classification: Uncertain significance. Last evaluated: 2022-10-30. Review status: criteria provided, single submitter. Criteria: Invitae Variant Classification Sherloc (09022015). Collection method: clinical testing. Allele origin: germline.
Comment: In summary, the available evidence is currently insufficient to determine the role of this variant in disease. Therefore, it has been classified as a Variant of Uncertain Significance. Algorithms developed to predict the effect of sequence changes on RNA splicing suggest that this variant may create or strengthen a splice site. This variant has not been reported in the literature in individuals affected with GRHL2-related conditions. This variant is not present in population databases (gnomAD no frequency). This sequence change falls in intron 6 of the GRHL2 gene. It does not directly change the encoded amino acid sequence of the GRHL2 protein.

NM_024915.4(GRHL2):c.892-18C>G

Gene: GRHL2 (grainyhead like transcription factor 2; plus strand). Cytogenetic location: 8q22.3.
Variant type: single nucleotide variant.
Coding change: c.892-18C>G on transcript NM_024915.4 (MANE Select); 18 bases into the intron before coding-DNA position 892, C replaced by G.
Molecular consequence: intron variant.
Genome position (GRCh38, 1-based): chr8:101,577,390, C>G. VCF-style: chr8-101577390-C-G. GRCh37 (hg19) VCF-style: chr8-102589618-C-G.
Other names: c.844-18C>G (NM_001330593.2).
Identifiers: ClinVar variation 2014783 (VCV002014783.4), dbSNP rs111559404, ClinGen allele CA2580078487.